The following is an entry in ClinVar:

ClinVar aggregate classification (germline): Conflicting classifications of pathogenicity. Review status: criteria provided, conflicting classifications (1 of 4 stars). 4 submissions from 4 submitters: Likely pathogenic (1); Uncertain significance (3). Last evaluated 2026-05-12.

Conditions:
CDH23-related disorder. Also called: CDH23-related condition; CDH23-related disorders.

Allele frequency attached by ClinVar (database versions not stated): gnomAD 0.00001; gnomAD exomes 0.00001 and 0.00002; TOPMed 0.00001.
gnomAD v4.1: 27 of 1,613,858 alleles (0.0017%); highest among the groups gnomAD compares: Non-Finnish European, 0.0022%; no homozygotes.

Submissions (4):

PreventionGenetics, part of Exact Sciences
Classification: Uncertain significance for CDH23-related condition. Last evaluated: 2026-05-12. Review status: criteria provided, single submitter. Criteria: ACMG Guidelines, 2015. Collection method: clinical testing. Allele origin: germline.
Comment: The CDH23 c.5278G>A variant is predicted to result in the amino acid substitution p.Gly1760Arg. To our knowledge, this variant has not been reported in the literature. This variant is reported in 0.0027% of alleles in individuals of European (Non-Finnish) descent in gnomAD. At this time, the clinical significance of this variant is uncertain due to the absence of conclusive functional and genetic evidence.

GeneDx
Classification: Likely pathogenic. Last evaluated: 2026-01-08. Review status: criteria provided, single submitter. Criteria: GeneDx Variant Classification Process June 2021. Collection method: clinical testing. Allele origin: germline.
Comment: Not observed at significant frequency in large population cohorts (gnomAD); In silico analysis supports that this missense variant has a deleterious effect on protein structure/function; Has not been previously published as pathogenic or benign to our knowledge

Labcorp Genetics (formerly Invitae), Labcorp
Classification: Uncertain significance. Last evaluated: 2022-10-17. Review status: criteria provided, single submitter. Criteria: Invitae Variant Classification Sherloc (09022015). Collection method: clinical testing. Allele origin: germline.
Comment: This sequence change replaces glycine, which is neutral and non-polar, with arginine, which is basic and polar, at codon 1760 of the CDH23 protein (p.Gly1760Arg). This variant is present in population databases (no rsID available, gnomAD 0.002%). This variant has not been reported in the literature in individuals affected with CDH23-related conditions. ClinVar contains an entry for this variant (Variation ID: 1489449). Advanced modeling of protein sequence and biophysical properties (such as structural, functional, and spatial information, amino acid conservation, physicochemical variation, residue mobility, and thermodynamic stability) has been performed at Invitae for this missense variant, however the output from this modeling did not meet the statistical confidence thresholds required to predict the impact of this variant on CDH23 protein function. In summary, the available evidence is currently insufficient to determine the role of this variant in disease. Therefore, it has been classified as a Variant of Uncertain Significance.

Blueprint Genetics
Classification: Uncertain significance. Last evaluated: 2022-05-17. Review status: criteria provided, single submitter. Criteria: ACMG Guidelines, 2015. Collection method: clinical testing. Allele origin: germline.

NM_022124.6(CDH23):c.5278G>A (p.Gly1760Arg)

Gene: CDH23 (cadherin related 23; plus strand). Cytogenetic location: 10q22.1.
Variant type: single nucleotide variant.
Coding change: c.5278G>A on transcript NM_022124.6 (MANE Select); coding-DNA position 5278, G replaced by A.
Protein change: p.Gly1760Arg; replaces glycine 1760 with arginine.
Molecular consequence: missense variant.
Genome position (GRCh38, 1-based): chr10:71,779,357, G>A. VCF-style: chr10-71779357-G-A. GRCh37 (hg19) VCF-style: chr10-73539114-G-A.
Other names: c.5278G>A (NM_022124.5); short protein forms G1760R.
Identifiers: ClinVar variation 1489449 (VCV001489449.6), dbSNP rs929516519, ClinGen allele CA209453485.